The following is an entry in ClinVar:

ClinVar aggregate classification (germline): Uncertain significance (1 of 4 stars; one submission).

gnomAD v4.1: 4 of 1,614,008 alleles (0.00025%); highest among the groups gnomAD compares: Non-Finnish European, 0.00034%; no homozygotes.

Submission:

Labcorp Genetics (formerly Invitae), Labcorp
Classification: Uncertain significance. Last evaluated: 2024-11-03. Review status: criteria provided, single submitter. Criteria: Invitae Variant Classification Sherloc (09022015). Collection method: clinical testing. Allele origin: germline.
Comment: This sequence change replaces glutamine, which is neutral and polar, with histidine, which is basic and polar, at codon 171 of the IL23R protein (p.Gln171His). This variant is not present in population databases (gnomAD no frequency). This variant has not been reported in the literature in individuals affected with IL23R-related conditions. An algorithm developed to predict the effect of missense changes on protein structure and function outputs the following: PolyPhen-2: "Possibly Damaging". The histidine amino acid residue is found in multiple mammalian species, which suggests that this missense change does not adversely affect protein function. In summary, the available evidence is currently insufficient to determine the role of this variant in disease. Therefore, it has been classified as a Variant of Uncertain Significance.

NM_144701.3(IL23R):c.513A>C (p.Gln171His)

Gene: IL23R (interleukin 23 receptor; plus strand). Cytogenetic location: 1p31.3.
Variant type: single nucleotide variant.
Coding change: c.513A>C on transcript NM_144701.3 (MANE Select); coding-DNA position 513, A replaced by C.
Protein change: p.Gln171His; replaces glutamine 171 with histidine.
Molecular consequence: missense variant.
Genome position (GRCh38, 1-based): chr1:67,200,758, A>C. VCF-style: chr1-67200758-A-C. GRCh37 (hg19) VCF-style: chr1-67666441-A-C.
Other names: short protein forms Q171H.
Identifiers: ClinVar variation 3695998 (VCV003695998.2).